The following is an entry in ClinVar:

NM_001042517.2(DIAPH3):c.1804A>G (p.Met602Val)

Gene: DIAPH3 (diaphanous related formin 3; minus strand). Cytogenetic location: 13q21.2.
Variant type: single nucleotide variant.
Coding change: c.1804A>G on transcript NM_001042517.2 (MANE Select); coding-DNA position 1804, A replaced by G.
Protein change: p.Met602Val; replaces methionine 602 with valine.
Molecular consequence: missense variant.
Genome position (GRCh38, 1-based): chr13:59,971,007, T>C on the plus strand (A>G on the coding strand, the complement: DIAPH3 is on the minus strand). VCF-style: chr13-59971007-T-C. GRCh37 (hg19) VCF-style: chr13-60545141-T-C.
Other names: c.1771A>G, p.Met591Val (NM_001258366.2); c.1666A>G, p.Met556Val (NM_001258367.2); c.1594A>G, p.Met532Val (NM_001258368.2); c.1804A>G, p.Met602Val (NM_001258369.2); c.1015A>G, p.Met339Val (NM_001258370.2, NM_030932.4); short protein forms M339V, M556V, M602V, M532V, M591V.
Identifiers: ClinVar variation 4980534 (VCV004980534.1).

ClinVar aggregate classification (germline): Likely benign (1 of 4 stars; one submission).

Conditions:
DIAPH3-related disorder. Also called: DIAPH3-related condition.

gnomAD v4.1: 13 of 1,613,792 alleles (0.00081%); highest among the groups gnomAD compares: East Asian, 0.029%; no homozygotes.

Submission:

PreventionGenetics, part of Exact Sciences
Classification: Likely benign for DIAPH3-related condition. Last evaluated: 2025-01-08. Review status: criteria provided, single submitter. Criteria: ACMG Guidelines, 2015. Collection method: clinical testing. Allele origin: germline.
Comment: This variant is classified as likely benign based on ACMG/AMP sequence variant interpretation guidelines (Richards et al. 2015 PMID: 25741868, with internal and published modifications).